The following is an entry in ClinVar:

NM_000132.4(F8):c.6900+8517C>T

Gene: F8 (coagulation factor VIII; minus strand). Cytogenetic location: Xq28.
Variant type: single nucleotide variant.
Coding change: c.6900+8517C>T on transcript NM_000132.4 (MANE Select); 8517 bases into the intron after coding-DNA position 6900, C replaced by T.
Molecular consequence: intron variant.
Genome position (GRCh38, 1-based): chrX:154,851,915, G>A on the plus strand (C>T on the coding strand, the complement: F8 is on the minus strand). VCF-style: chrX-154851915-G-A. GRCh37 (hg19) VCF-style: chrX-154080190-G-A.
Other names: c.495+8517C>T (NM_019863.3).
Identifiers: ClinVar variation 5003897 (VCV005003897.1).
Genomic context (GRCh38, chrX:154,851,915, plus strand): 5'-TCATCTTTTTACTTTCTTGATAGTGTTCTTTGATGTACAAAAGCTTTTAACTTTAAAGAT[G>A]CCTACTATATATATTTTTATAGAGTTGTTGCTTGTGATTGTGGTGTCACATCTAAGAAAC-3'

ClinVar aggregate classification (germline): Uncertain significance (1 of 4 stars; one submission).

Conditions:
Hereditary factor VIII deficiency disease (HEMA). Also called: HEMOPHILIA, CLASSIC; AUTOSOMAL HEMOPHILIA A; Hemophilia A; Hemophilia A, congenital; HEM A; Factor 8 deficiency, congenital. Identifiers: Orphanet 98878, MedGen C0019069, MONDO:0010602, OMIM 306700.

gnomAD v4.1: 2 of 111,736 alleles (0.0018%); highest among the groups gnomAD compares: East Asian, 0.055%; no homozygotes.

Submission:

Myriad Genetics, Inc.
Classification: Uncertain significance for Hereditary factor VIII deficiency disease. Last evaluated: 2026-01-30. Review status: criteria provided, single submitter. Criteria: Myriad Autosomal Dominant, Autosomal Recessive and X-Linked Classification Criteria (2023). Collection method: clinical testing. Allele origin: unknown.
Comment: NM_000132.3(F8):c.6900+8517C>T is an intronic variant classified as a variant of uncertain significance in the context of hemophilia A. c.6900+8517C>T has been observed in a case with relevant disease (PMID: 25948085). Relevant functional assessments of this variant are not available in the literature. c.6900+8517C>T has not been observed in referenced population frequency databases. In summary, there is insufficient evidence to classify NM_000132.3(F8):c.6900+8517C>T as pathogenic or benign. Please note: this variant was assessed in the context of healthy population screening.

Literature cited by the submitters: PubMed 25948085.